The following is an entry in ClinVar:

ClinVar aggregate classification (germline): Uncertain significance. Review status: criteria provided, single submitter (1 of 4 stars). 2 submissions from 2 submitters: Uncertain significance (1). 1 of the submissions does not count toward it. Last evaluated 2023-08-21.

Conditions:
Inborn genetic diseases. Identifiers: MedGen C0950123, MeSH D030342.
NEK1-related disorder. Also called: NEK1-related condition.

Allele frequency attached by ClinVar (database versions not stated): gnomAD exomes below 0.00001; gnomAD 0.00001; TOPMed 0.00003.
gnomAD v4.1: 3 of 1,530,026 alleles (0.0002%); highest among the groups gnomAD compares: African/African-American, 0.0041%; no homozygotes.

Submissions (2):

Ambry Genetics
Classification: Uncertain significance for Inborn genetic diseases. Last evaluated: 2023-08-21. Review status: criteria provided, single submitter. Criteria: Ambry Variant Classification Scheme 2023. Collection method: clinical testing. Allele origin: germline.

PreventionGenetics, part of Exact Sciences
Classification: Uncertain significance for NEK1-related condition. Last evaluated: 2024-05-23. Review status: no assertion criteria provided. Collection method: clinical testing. Allele origin: germline. Not counted in ClinVar's aggregate classification.
Comment: The NEK1 c.822A>C variant is predicted to result in the amino acid substitution p.Glu274Asp. To our knowledge, this variant has not been reported in the literature. This variant is reported in 0.018% of alleles in individuals of African descent in gnomAD. At this time, the clinical significance of this variant is uncertain due to the absence of conclusive functional and genetic evidence.

NM_001199397.3(NEK1):c.822A>C (p.Glu274Asp)

Gene: NEK1 (NIMA related kinase 1; minus strand). Cytogenetic location: 4q33.
Variant type: single nucleotide variant.
Coding change: c.822A>C on transcript NM_001199397.3 (MANE Select); coding-DNA position 822, A replaced by C.
Protein change: p.Glu274Asp; replaces glutamic acid 274 with aspartic acid.
Molecular consequence: missense variant. On other transcripts: non-coding transcript variant (2).
Genome position (GRCh38, 1-based): chr4:169,580,888, T>G on the plus strand (A>C on the coding strand, the complement: NEK1 is on the minus strand). VCF-style: chr4-169580888-T-G. GRCh37 (hg19) VCF-style: chr4-170502039-T-G.
Other names: c.822A>C, p.Glu274Asp (NM_001199398.3, NM_001199399.3, NM_001199400.3 and 7 more transcripts); short protein forms E274D.
Identifiers: ClinVar variation 2620554 (VCV002620554.3), dbSNP rs1484671994, ClinGen allele CA358737063.
Genomic context (GRCh38, chr4:169,580,888, plus strand): 5'-CAGATTTCATTTACCTGGTATAGGCTGTGATCCAAACTTCGAAAATGTTTTTAGACAAAA[T>G]TCTTCTGCAATAAGCTGAGATTGAAAGAGAAAAAAATTAGAAAAGATGTTACATTTTCAA-3'
Protein context (NP_001186326.1, residues 264-284): KFLSPQLIAE[Glu274Asp]FCLKTFSKFG